The following is an entry in ClinVar:

NM_004996.4(ABCC1):c.1915G>T (p.Gly639Trp)

Gene: ABCC1 (ATP binding cassette subfamily C member 1 (ABCC1 blood group); plus strand). Cytogenetic location: 16p13.11.
Variant type: single nucleotide variant.
Coding change: c.1915G>T on transcript NM_004996.4 (MANE Select); coding-DNA position 1915, G replaced by T.
Protein change: p.Gly639Trp; replaces glycine 639 with tryptophan.
Molecular consequence: missense variant.
Genome position (GRCh38, 1-based): chr16:16,076,328, G>T. VCF-style: chr16-16076328-G-T. GRCh37 (hg19) VCF-style: chr16-16170185-G-T.
Other names: c.1915G>T, p.Gly639Trp (NM_019862.3); short protein forms G639W.
Identifiers: ClinVar variation 3036882 (VCV003036882.2), dbSNP rs539166124, ClinGen allele CA7924098.

ClinVar aggregate classification (germline): Likely benign (0 of 4 stars; one submission).

Conditions:
ABCC1-related disorder. Also called: ABCC1-related condition.

Allele frequency attached by ClinVar (database versions not stated): gnomAD 0.00009; 1000 Genomes Project 30x 0.00047; 1000 Genomes Project 0.00060.
gnomAD v4.1: 266 of 1,612,062 alleles (0.017%); highest among the groups gnomAD compares: South Asian, 0.28%; 2 homozygotes.

Submission:

PreventionGenetics, part of Exact Sciences
Classification: Likely benign for ABCC1-related condition. Last evaluated: 2020-09-28. Review status: no assertion criteria provided. Collection method: clinical testing. Allele origin: germline.
Comment: This variant is classified as likely benign based on ACMG/AMP sequence variant interpretation guidelines (Richards et al. 2015 PMID: 25741868, with internal and published modifications).